The following is an entry in ClinVar:

NM_000256.3(MYBPC3):c.280G>T (p.Val94Phe)

Gene: MYBPC3 (myosin binding protein C3; minus strand). Cytogenetic location: 11p11.2.
Variant type: single nucleotide variant.
Coding change: c.280G>T on transcript NM_000256.3 (MANE Select); coding-DNA position 280, G replaced by T.
Protein change: p.Val94Phe; replaces valine 94 with phenylalanine.
Molecular consequence: missense variant.
Genome position (GRCh38, 1-based): chr11:47,351,251, C>A on the plus strand (G>T on the coding strand, the complement: MYBPC3 is on the minus strand). VCF-style: chr11-47351251-C-A. GRCh37 (hg19) VCF-style: chr11-47372802-C-A.
Other names: short protein forms V94F.
Identifiers: ClinVar variation 915583 (VCV000915583.8), dbSNP rs770777166, ClinGen allele CA051564.

ClinVar aggregate classification (germline): Uncertain significance. Review status: criteria provided, multiple submitters, no conflicts (2 of 4 stars). 3 submissions from 3 submitters: Uncertain significance (3). Last evaluated 2025-07-30.

Conditions:
Hypertrophic cardiomyopathy. Also called: HYPERTROPHIC MYOCARDIOPATHY. Identifiers: Orphanet 217569, MedGen C0007194, MeSH D002312, MONDO:0005045, HP:0001639.
Cardiomyopathy (CMYO). Also called: Cardiomyopathies. Identifiers: Orphanet 167848, MedGen C0878544, MONDO:0004994, HP:0001638. Inheritance: Various modes of inheritance.

Allele frequency attached by ClinVar (database versions not stated): ExAC below 0.00001; gnomAD exomes 0.00001.

Submissions (3):

Labcorp Genetics (formerly Invitae), Labcorp
Classification: Uncertain significance for Hypertrophic cardiomyopathy. Last evaluated: 2025-07-30. Review status: criteria provided, single submitter. Criteria: Invitae Variant Classification Sherloc (09022015). Collection method: clinical testing. Allele origin: germline.
Comment: This sequence change replaces valine, which is neutral and non-polar, with phenylalanine, which is neutral and non-polar, at codon 94 of the MYBPC3 protein (p.Val94Phe). The frequency data for this variant in the population databases is considered unreliable, as metrics indicate poor data quality at this position in the gnomAD database. This variant has not been reported in the literature in individuals affected with MYBPC3-related conditions. ClinVar contains an entry for this variant (Variation ID: 915583). An algorithm developed to predict the effect of missense changes on protein structure and function (PolyPhen-2) suggests that this variant is likely to be disruptive. In summary, the available evidence is currently insufficient to determine the role of this variant in disease. Therefore, it has been classified as a Variant of Uncertain Significance.

All of Us Research Program, National Institutes of Health
Classification: Uncertain significance for Hypertrophic cardiomyopathy. Last evaluated: 2024-06-09. Review status: criteria provided, single submitter. Criteria: ACMG Guidelines, 2015. Collection method: clinical testing. Allele origin: germline. Inheritance: Autosomal dominant inheritance. Observed: 1 variant allele, 1 heterozygote.
Comment: This missense variant replaces valine with phenylalanine at codon 94 of the MYBPC3 protein. Computational prediction is inconclusive regarding the impact of this variant on protein structure and function (internally defined REVEL score threshold 0.5 < inconclusive < 0.7, PMID: 27666373). To our knowledge, functional studies have not been reported for this variant. This variant has not been reported in individuals affected with MYBPC3-related disorders in the literature. This variant has been identified in 1/171352 chromosomes in the general population by the Genome Aggregation Database (gnomAD). The available evidence is insufficient to determine the role of this variant in disease conclusively. Therefore, this variant is classified as a Variant of Uncertain Significance.

This study involves interpretation of variants in research participants for the purpose of population health screening. Participant phenotype was not available at the time of variant classification. Additional details can be found in publication PMID: 35346344, PMCID: PMC8962531

CHEO Genetics Diagnostic Laboratory, Children's Hospital of Eastern Ontario
Classification: Uncertain significance for Cardiomyopathy. Last evaluated: 2018-03-28. Review status: criteria provided, single submitter. Criteria: ACMG Guidelines, 2015. Collection method: clinical testing. Allele origin: germline.